The following is an entry in ClinVar:

ClinVar aggregate classification (germline): Uncertain significance (1 of 4 stars; one submission).

Conditions:
Primary ciliary dyskinesia. Also called: Ciliary dyskinesia. Identifiers: Orphanet 244, MedGen C0008780, MONDO:0016575, HP:0012265.

Submission:

Labcorp Genetics (formerly Invitae), Labcorp
Classification: Uncertain significance for Primary ciliary dyskinesia. Last evaluated: 2022-09-17. Review status: criteria provided, single submitter. Criteria: Invitae Variant Classification Sherloc (09022015). Collection method: clinical testing. Allele origin: germline.
Comment: In summary, the available evidence is currently insufficient to determine the role of this variant in disease. Therefore, it has been classified as a Variant of Uncertain Significance. This variant disrupts a region of the RPGR protein in which other variant(s) (p.Ile567Phe) have been observed in individuals with RPGR-related conditions (PMID: 23150612). This suggests that this is a clinically significant region of the protein, and that variants that disrupt it are likely to be disease-causing. A similar copy number variant has been observed in individual(s) with retinitis pigmentosa (Invitae). This variant is a complex event involving exon(s) 13-15 of the RPGR gene. Although the exact nature of the event is unknown, it likely involves a deletion of exon 13-15 and a possible adjacent inversion. The 15th exon of the RPGR (ORF15) transcript may also be affected. However, the effect of this complex variant on the protein product(s) is not clear.

Literature cited by the submitters: PubMed 23150612.

NC_000023.10:g.(?_38146328)_(38150297_?)del

Gene: RPGR (retinitis pigmentosa GTPase regulator; minus strand). Cytogenetic location: Xp11.4.
Variant type: Deletion.
Identifiers: ClinVar variation 2422896 (VCV002422896.2).